The following is an entry in ClinVar:

ClinVar aggregate classification (germline): Uncertain significance (1 of 4 stars; one submission).

gnomAD v4.1: 4 of 1,613,962 alleles (0.00025%); highest among the groups gnomAD compares: Non-Finnish European, 0.00034%; no homozygotes.

Submission:

Labcorp Genetics (formerly Invitae), Labcorp
Classification: Uncertain significance. Last evaluated: 2024-12-28. Review status: criteria provided, single submitter. Criteria: Invitae Variant Classification Sherloc (09022015). Collection method: clinical testing. Allele origin: germline.
Comment: This sequence change replaces alanine, which is neutral and non-polar, with aspartic acid, which is acidic and polar, at codon 1732 of the FLNB protein (p.Ala1732Asp). This variant is present in population databases (rs767007063, gnomAD 0.0009%). This variant has not been reported in the literature in individuals affected with FLNB-related conditions. Invitae Evidence Modeling of protein sequence and biophysical properties (such as structural, functional, and spatial information, amino acid conservation, physicochemical variation, residue mobility, and thermodynamic stability) indicates that this missense variant is not expected to disrupt FLNB protein function with a negative predictive value of 95%. In summary, the available evidence is currently insufficient to determine the role of this variant in disease. Therefore, it has been classified as a Variant of Uncertain Significance.

NM_001457.4(FLNB):c.5195C>A (p.Ala1732Asp)

Gene: FLNB (filamin B; plus strand). Cytogenetic location: 3p14.3.
Variant type: single nucleotide variant.
Coding change: c.5195C>A on transcript NM_001457.4 (MANE Select); coding-DNA position 5195, C replaced by A.
Protein change: p.Ala1732Asp; replaces alanine 1732 with aspartic acid.
Molecular consequence: missense variant.
Genome position (GRCh38, 1-based): chr3:58,142,663, C>A. VCF-style: chr3-58142663-C-A. GRCh37 (hg19) VCF-style: chr3-58128390-C-A.
Other names: c.5288C>A, p.Ala1763Asp (NM_001164317.2); c.5162C>A, p.Ala1721Asp (NM_001164318.2); c.5123C>A, p.Ala1708Asp (NM_001164319.2); short protein forms A1708D, A1721D, A1732D, A1763D.
Identifiers: ClinVar variation 3617243 (VCV003617243.2).